The following is an entry in ClinVar:

NM_013382.7(POMT2):c.1699C>T (p.Pro567Ser)

Gene: POMT2 (protein O-mannosyltransferase 2; minus strand). Cytogenetic location: 14q24.3.
Variant type: single nucleotide variant.
Coding change: c.1699C>T on transcript NM_013382.7 (MANE Select); coding-DNA position 1699, C replaced by T.
Protein change: p.Pro567Ser; replaces proline 567 with serine.
Molecular consequence: missense variant.
Genome position (GRCh38, 1-based): chr14:77,280,418, G>A on the plus strand (C>T on the coding strand, the complement: POMT2 is on the minus strand). VCF-style: chr14-77280418-G-A. GRCh37 (hg19) VCF-style: chr14-77746761-G-A.
Other names: short protein forms P567S.
Identifiers: ClinVar variation 162600 (VCV000162600.7), dbSNP rs727502858, ClinGen allele CA295441.

ClinVar aggregate classification (germline): Uncertain significance. Review status: criteria provided, multiple submitters, no conflicts (2 of 4 stars). 2 submissions from 2 submitters: Uncertain significance (2). Last evaluated 2024-11-15.

Allele frequency attached by ClinVar (database versions not stated): gnomAD exomes below 0.00001; TOPMed below 0.00001; ExAC 0.00001; gnomAD 0.00001.

Submissions (2):

Women's Health and Genetics/Laboratory Corporation of America, LabCorp
Classification: Uncertain significance. Last evaluated: 2024-11-15. Review status: criteria provided, single submitter. Criteria: LabCorp Variant Classification Summary - May 2015. Collection method: clinical testing. Allele origin: germline.
Comment: Variant summary: POMT2 c.1699C>T (p.Pro567Ser) results in a non-conservative amino acid change located in the C-terminal four TM domain (IPR032421) of the encoded protein sequence. Five of five in-silico tools predict a damaging effect of the variant on protein function. The variant allele was found at a frequency of 4e-06 in 251476 control chromosomes (gnomAD). The available data on variant occurrences in the general population are insufficient to allow any conclusion about variant significance. c.1699C>T has been reported in the literature in a compound heterozygous individual affected with a milder form of Limb-Girdle Muscular Dystrophy, however muscle biopsy from this patient showed normal alpha-dystroglycan staining on immunohistology (Kuhn_2016). These reports do not provide unequivocal conclusions about association of the variant with Limb-Girdle Muscular Dystrophy, Autosomal Recessive. To our knowledge, no experimental evidence demonstrating an impact on protein function has been reported. The following publications have been ascertained in the context of this evaluation (PMID: 26886200, 36217604). ClinVar contains an entry for this variant (Variation ID: 162600). Based on the evidence outlined above, the variant was classified as uncertain significance.

Eurofins Ntd Llc (ga)
Classification: Uncertain significance. Last evaluated: 2015-08-17. Review status: criteria provided, single submitter. Criteria: EGL Classification Definitions 2015. Collection method: clinical testing. Allele origin: germline. Observed: 1 variant allele, 1 heterozygote.

Literature cited by the submitters: PubMed 26886200 (cited by Women's Health and Genetics/Laboratory Corporation of America, LabCorp); PubMed 36217604 (cited by Women's Health and Genetics/Laboratory Corporation of America, LabCorp).